The following is an entry in ClinVar:

ClinVar aggregate classification (germline): Conflicting classifications of pathogenicity. Review status: criteria provided, conflicting classifications (1 of 4 stars). 6 submissions from 6 submitters: Uncertain significance (5); Likely benign (1). Last evaluated 2025-12-22.

Conditions:
Hypertrophic cardiomyopathy 3. Also called: TPM1-Related Familial Hypertrophic Cardiomyopathy. Identifiers: MedGen C1861863, MONDO:0007267, OMIM 115196.
Dilated cardiomyopathy 1Y (CMD1Y). Identifiers: Orphanet 154, Orphanet 54260, MedGen C2678476, MONDO:0012744, OMIM 611878.
Cardiomyopathy (CMYO). Also called: Cardiomyopathies. Identifiers: Orphanet 167848, MedGen C0878544, MONDO:0004994, HP:0001638. Inheritance: Various modes of inheritance.
Hypertrophic cardiomyopathy. Also called: HYPERTROPHIC MYOCARDIOPATHY. Identifiers: Orphanet 217569, MedGen C0007194, MeSH D002312, MONDO:0005045, HP:0001639.

Allele frequency attached by ClinVar (database versions not stated): ExAC 0.00001.
gnomAD v4.1: 17 of 1,614,210 alleles (0.0011%); highest among the groups gnomAD compares: Middle Eastern, 0.033%; no homozygotes.

Submissions (6):

Labcorp Genetics (formerly Invitae), Labcorp
Classification: Uncertain significance for Hypertrophic cardiomyopathy. Last evaluated: 2025-12-22. Review status: criteria provided, single submitter. Criteria: Invitae Variant Classification Sherloc (09022015). Collection method: clinical testing. Allele origin: germline.
Comment: This sequence change replaces aspartic acid, which is acidic and polar, with glutamic acid, which is acidic and polar, at codon 84 of the TPM1 protein (p.Asp84Glu). This variant is present in population databases (rs369617788, gnomAD 0.0009%). This missense change has been observed in individual(s) with hypertrophic cardiomyopathy (PMID: 27532257, 37652022). ClinVar contains an entry for this variant (Variation ID: 43408). An algorithm developed to predict the effect of missense changes on protein structure and function (PolyPhen-2) suggests that this variant is likely to be tolerated. This variant disrupts the p.Asp84 amino acid residue in TPM1. Other variant(s) that disrupt this residue have been determined to be pathogenic (PMID: 23147248, 25548289). This suggests that this residue is clinically significant, and that variants that disrupt this residue are likely to be disease-causing. In summary, the available evidence is currently insufficient to determine the role of this variant in disease. Therefore, it has been classified as a Variant of Uncertain Significance.

All of Us Research Program, National Institutes of Health
Classification: Uncertain significance for Hypertrophic cardiomyopathy. Last evaluated: 2024-08-13. Review status: criteria provided, single submitter. Criteria: ACMG Guidelines, 2015. Collection method: clinical testing. Allele origin: germline. Inheritance: Autosomal dominant inheritance. Observed: 4 variant alleles, 4 heterozygotes.
Comment: This missense variant replaces aspartic acid with glutamic acid at codon 84 of the TPM1 protein. Computational prediction suggests that this variant may not impact protein structure and function (internally defined REVEL score threshold <= 0.5, PMID: 27666373). To our knowledge, functional studies have not been reported for this variant. This variant has been reported in an individual affected with hypertrophic cardiomyopathy (PMID: 27532257). This variant has been identified in 1/251466 chromosomes in the general population by the Genome Aggregation Database (gnomAD). A different variant affecting the same codon, p.Asp84Asn, is considered to be disease-causing (ClinVar variation ID: 264474), suggesting that aspartic acid at this position is important for TPM1 protein function. The available evidence is insufficient to determine the role of this variant in disease conclusively. Therefore, this variant is classified as a Variant of Uncertain Significance.

This study involves interpretation of variants in research participants for the purpose of population health screening. Participant phenotype was not available at the time of variant classification. Additional details can be found in publication PMID: 35346344, PMCID: PMC8962531

Color Diagnostics, LLC DBA Color Health
Classification: Uncertain significance for Cardiomyopathy. Last evaluated: 2024-06-06. Review status: criteria provided, single submitter. Criteria: ACMG Guidelines, 2015. Collection method: clinical testing. Allele origin: germline.
Comment: This missense variant replaces aspartic acid with glutamic acid at codon 84 of the TPM1 protein. Computational prediction tools indicate that this variant has a neutral impact on protein structure and function. To our knowledge, functional studies have not been reported for this variant. This variant has been reported in one individual affected with hypertrophic cardiomyopathy (PMID: 27532257) and in one individual affected with limb girdle muscular dystrophy (PMID: 29970176). This variant has been identified in 1/251466 chromosomes in the general population by the Genome Aggregation Database (gnomAD). The available evidence is insufficient to determine the role of this variant in disease conclusively. Therefore, this variant is classified as a Variant of Uncertain Significance.

Fulgent Genetics
Classification: Uncertain significance for Hypertrophic cardiomyopathy 3; Dilated cardiomyopathy 1Y. Last evaluated: 2021-11-15. Review status: criteria provided, single submitter. Criteria: ACMG Guidelines, 2015. Collection method: clinical testing. Allele origin: unknown.

Blueprint Genetics
Classification: Likely benign. Last evaluated: 2019-07-03. Review status: criteria provided, single submitter. Criteria: ACMG Guidelines, 2015. Collection method: clinical testing. Allele origin: germline.

Laboratory for Molecular Medicine, Mass General Brigham Personalized Medicine
Classification: Uncertain significance. Last evaluated: 2012-05-10. Review status: criteria provided, single submitter. Criteria: LMM Criteria. Collection method: clinical testing. Allele origin: germline. Observed: 1 variant allele.
Comment: The Asp84Glu variant has not been reported in the literature. Aspartic acid at position 84 is conserved in ma mmals, though chicken has a glutamic acid (Glu; this variant) at this position. This variant was predicted to be pathogenic using a computational tool, which wa s validated by our laboratory using a set of cardiomyopathy variants with well-e stablished clinical significance. This tool's pathogenic prediction is estimated to be correct 94% of the time (Jordan 2011). Additional information is needed t o fully assess the clinical significance of the Asp84Glu variant.

Literature cited by the submitters: PubMed 27532257 (cited by 3 submitters); PubMed 37652022 (cited by Labcorp Genetics (formerly Invitae), Labcorp); PubMed 23147248 (cited by Labcorp Genetics (formerly Invitae), Labcorp); PubMed 25548289 (cited by Labcorp Genetics (formerly Invitae), Labcorp); PubMed 29970176 (cited by Color Diagnostics, LLC DBA Color Health).

NM_001018005.2(TPM1):c.252C>G (p.Asp84Glu)

Gene: TPM1 (tropomyosin 1; plus strand). Cytogenetic location: 15q22.2.
Variant type: single nucleotide variant.
Coding change: c.252C>G on transcript NM_001018005.2 (MANE Select); coding-DNA position 252, C replaced by G.
Protein change: p.Asp84Glu; replaces aspartic acid 84 with glutamic acid.
Molecular consequence: missense variant.
Genome position (GRCh38, 1-based): chr15:63,056,996, C>G. VCF-style: chr15-63056996-C-G. GRCh37 (hg19) VCF-style: chr15-63349195-C-G.
Other names: c.252C>G, p.Asp84Glu (NM_000366.6, NM_001018004.2, NM_001018006.2 and 6 more transcripts); c.144C>G, p.Asp48Glu (NM_001018008.2, NM_001301289.2, NM_001330344.2 and 5 more transcripts); c.378C>G, p.Asp126Glu (NM_001365778.1); short protein forms D84E, D48E, D126E.
Identifiers: ClinVar variation 43408 (VCV000043408.20), dbSNP rs369617788, ClinGen allele CA017910.